The following is an entry in ClinVar:

NM_018671.5(UNC45A):c.290G>A (p.Arg97Gln)

Gene: UNC45A (unc-45 myosin chaperone A; plus strand). Cytogenetic location: 15q26.1.
Variant type: single nucleotide variant.
Coding change: c.290G>A on transcript NM_018671.5 (MANE Select); coding-DNA position 290, G replaced by A.
Protein change: p.Arg97Gln; replaces arginine 97 with glutamine.
Molecular consequence: missense variant. On other transcripts: 5 prime UTR variant (1).
Genome position (GRCh38, 1-based): chr15:90,936,324, G>A. VCF-style: chr15-90936324-G-A. GRCh37 (hg19) VCF-style: chr15-91479554-G-A.
Other names: p.Arg97Gln; c.245G>A, p.Arg82Gln (NM_001039675.2, NM_001323621.2); c.290G>A, p.Arg97Gln (NM_001323619.1); c.-146G>A (NM_001323620.2); short protein forms R82Q, R97Q.
Identifiers: ClinVar variation 3380327 (VCV003380327.1).

ClinVar aggregate classification (germline): Uncertain significance (1 of 4 stars; one submission).

gnomAD v4.1: 13 of 1,613,974 alleles (0.00081%); highest among the groups gnomAD compares: Middle Eastern, 0.016%; no homozygotes.

Submission:

Mayo Clinic Laboratories, Mayo Clinic
Classification: Uncertain significance. Last evaluated: 2023-11-16. Review status: criteria provided, single submitter. Criteria: ACMG Guidelines, 2015. Collection method: clinical testing. Allele origin: germline. Observed: 1 variant allele.
Comment: PP3